The following is an entry in ClinVar:

NM_001069.3(TUBB2A):c.1276C>T (p.Gln426Ter)

Gene: TUBB2A (tubulin beta 2A class IIa; minus strand). Cytogenetic location: 6p25.2.
Variant type: single nucleotide variant.
Coding change: c.1276C>T on transcript NM_001069.3 (MANE Select); coding-DNA position 1276, C replaced by T.
Protein change: p.Gln426Ter; replaces glutamine 426 with a stop codon.
Molecular consequence: nonsense.
Genome position (GRCh38, 1-based): chr6:3,153,925, G>A on the plus strand (C>T on the coding strand, the complement: TUBB2A is on the minus strand). VCF-style: chr6-3153925-G-A. GRCh37 (hg19) VCF-style: chr6-3154159-G-A.
Other names: c.1021C>T, p.Gln341Ter (NM_001310315.2); short protein forms Q341*, Q426*.
Identifiers: ClinVar variation 2412949 (VCV002412949.4), dbSNP rs2533523424, ClinGen allele CA362590811.

ClinVar aggregate classification (germline): Uncertain significance (1 of 4 stars; one submission).

Submission:

GeneDx
Classification: Uncertain significance. Last evaluated: 2025-11-02. Review status: criteria provided, single submitter. Criteria: GeneDx Variant Classification Process June 2021. Collection method: clinical testing. Allele origin: germline.
Comment: Not observed at significant frequency in large population cohorts (gnomAD); Nonsense variant predicted to result in protein truncation as the last 20 amino acids are lost; Has not been previously published as pathogenic or benign to our knowledge